The following is an entry in ClinVar:

ClinVar aggregate classification (germline): Uncertain significance (1 of 4 stars; one submission).

Conditions:
Inborn genetic diseases. Identifiers: MedGen C0950123, MeSH D030342.

Submission:

Ambry Genetics
Classification: Uncertain significance for Inborn genetic diseases. Last evaluated: 2024-02-28. Review status: criteria provided, single submitter. Criteria: Ambry Variant Classification Scheme 2023. Collection method: clinical testing. Allele origin: germline.
Comment: The p.H354D variant (also known as c.1060C>G), located in coding exon 10 of the AKT1 gene, results from a C to G substitution at nucleotide position 1060. The histidine at codon 354 is replaced by aspartic acid, an amino acid with similar properties. This amino acid position is conserved. In addition, the in silico prediction for this alteration is inconclusive. Based on the available evidence, the clinical significance of this alteration remains unclear.

NM_001382430.1(AKT1):c.1060C>G (p.His354Asp)

Gene: AKT1 (AKT serine/threonine kinase 1; minus strand). Cytogenetic location: 14q32.33.
Variant type: single nucleotide variant.
Coding change: c.1060C>G on transcript NM_001382430.1 (MANE Select); coding-DNA position 1060, C replaced by G.
Protein change: p.His354Asp; replaces histidine 354 with aspartic acid.
Molecular consequence: missense variant.
Genome position (GRCh38, 1-based): chr14:104,772,990, G>C on the plus strand (C>G on the coding strand, the complement: AKT1 is on the minus strand). VCF-style: chr14-104772990-G-C. GRCh37 (hg19) VCF-style: chr14-105239327-G-C.
Other names: c.1060C>G, p.His354Asp (NM_001014431.2, NM_001014432.2, NM_001382431.1 and 3 more transcripts); short protein forms H354D.
Identifiers: ClinVar variation 3224606 (VCV003224606.1), dbSNP rs2140901486, ClinGen allele CA391217002.
Genomic context (GRCh38, chr14:104,772,990, plus strand): 5'-GACCAAGCGTGCGCGGGAAGCGGATCTCCTCCATGAGGATGAGCTCAAAAAGCTTCTCAT[G>C]GTCCTGGTTGTAGAAGGGCAGGCGACCGCACATCATCTCGTACATGACCACGCCCAGCCC-3'
Protein context (NP_001369359.1, residues 344-364): CGRLPFYNQD[His354Asp]EKLFELILME